The following is an entry in ClinVar:

NM_003482.4(KMT2D):c.13117G>A (p.Gly4373Ser)

Gene: KMT2D (lysine methyltransferase 2D; minus strand). Cytogenetic location: 12q13.12.
Variant type: single nucleotide variant.
Coding change: c.13117G>A on transcript NM_003482.4 (MANE Select); coding-DNA position 13117, G replaced by A.
Protein change: p.Gly4373Ser; replaces glycine 4373 with serine.
Molecular consequence: missense variant.
Genome position (GRCh38, 1-based): chr12:49,031,588, C>T on the plus strand (G>A on the coding strand, the complement: KMT2D is on the minus strand). VCF-style: chr12-49031588-C-T. GRCh37 (hg19) VCF-style: chr12-49425371-C-T.
Other names: short protein forms G4373S.
Identifiers: ClinVar variation 2151052 (VCV002151052.5), dbSNP rs531287935, ClinGen allele CA6546071.
Genomic context (GRCh38, chr12:49,031,588, plus strand): 5'-TGCTCTGCTCTGGCTTCTGGGTTTCTGCTAGGTTGTCTGGGGGATCCCAAGGTCCCAGAC[C>T]CTTGCTAAACAAGGTATCTGCAAGCTGGGCAGCAGCAGGTGAGACCCTCCCAGGAGGCGG-3'
Protein context (NP_003473.3, residues 4363-4383): AQLADTLFSK[Gly4373Ser]LGPWDPPDNL

ClinVar aggregate classification (germline): Benign/Likely benign. Review status: criteria provided, multiple submitters, no conflicts (2 of 4 stars). 2 submissions from 2 submitters: Benign (1); Likely benign (1). Last evaluated 2025-12-06.

Conditions:
KMT2D-related disorder. Also called: KMT2D-Related Disorders.
Kabuki syndrome. Also called: NIIKAWA-KUROKI SYNDROME; Kabuki make-up syndrome. Identifiers: Orphanet 2322, MedGen C0796004, MONDO:0016512.

Allele frequency attached by ClinVar (database versions not stated): gnomAD exomes 0.00005; ExAC 0.00010; 1000 Genomes Project 0.00020; 1000 Genomes Project 30x 0.00031.
gnomAD v4.1: 82 of 1,599,098 alleles (0.0051%); highest among the groups gnomAD compares: South Asian, 0.086%; no homozygotes.

Submissions (2):

Labcorp Genetics (formerly Invitae), Labcorp
Classification: Benign for Kabuki syndrome. Last evaluated: 2025-12-06. Review status: criteria provided, single submitter. Criteria: Invitae Variant Classification Sherloc (09022015). Collection method: clinical testing. Allele origin: germline.

PreventionGenetics, part of Exact Sciences
Classification: Likely benign for KMT2D-related condition. Last evaluated: 2025-05-28. Review status: criteria provided, single submitter. Criteria: ACMG Guidelines, 2015. Collection method: clinical testing. Allele origin: germline.
Comment: This variant is classified as likely benign based on ACMG/AMP sequence variant interpretation guidelines (Richards et al. 2015 PMID: 25741868, with internal and published modifications).